The following is an entry in ClinVar:

ClinVar aggregate classification (germline): Uncertain significance (1 of 4 stars; one submission).

Allele frequency attached by ClinVar (database versions not stated): gnomAD 0.00001.
gnomAD v4.1: 6 of 1,613,798 alleles (0.00037%); highest among the groups gnomAD compares: Admixed American, 0.0033%; no homozygotes.

Submission:

Labcorp Genetics (formerly Invitae), Labcorp
Classification: Uncertain significance. Last evaluated: 2022-05-03. Review status: criteria provided, single submitter. Criteria: Invitae Variant Classification Sherloc (09022015). Collection method: clinical testing. Allele origin: germline.
Comment: This sequence change creates a premature translational stop signal (p.Arg162*) in the DHX38 gene. It is expected to result in an absent or disrupted protein product. However, the current clinical and genetic evidence is not sufficient to establish whether loss-of-function variants in DHX38 cause disease. This variant is present in population databases (rs765927258, gnomAD 0.006%). This variant has not been reported in the literature in individuals affected with DHX38-related conditions. In summary, the available evidence is currently insufficient to determine the role of this variant in disease. Therefore, it has been classified as a Variant of Uncertain Significance.

NM_014003.4(DHX38):c.484C>T (p.Arg162Ter)

Gene: DHX38 (DEAH-box helicase 38; plus strand). Cytogenetic location: 16q22.2.
Variant type: single nucleotide variant.
Coding change: c.484C>T on transcript NM_014003.4 (MANE Select); coding-DNA position 484, C replaced by T.
Protein change: p.Arg162Ter; replaces arginine 162 with a stop codon.
Molecular consequence: nonsense.
Genome position (GRCh38, 1-based): chr16:72,096,982, C>T. VCF-style: chr16-72096982-C-T. GRCh37 (hg19) VCF-style: chr16-72130881-C-T.
Other names: short protein forms R162*.
Identifiers: ClinVar variation 1902208 (VCV001902208.2), dbSNP rs765927258, ClinGen allele CA8159978.
Genomic context (GRCh38, chr16:72,096,982, plus strand): 5'-CATGGTGTCTATGCCTCGTCCAAAGAAGAAAAGGATTGGAAGAAGGAGAAATCGCGGGAT[C>T]GAGACTATGACCGCAAGAGGGACAGAGGTAAACTGTCCAGCACAGTTCCTATTGTCCATT-3'